The following is an entry in ClinVar:

ClinVar aggregate classification (germline): Conflicting classifications of pathogenicity. Review status: criteria provided, conflicting classifications (1 of 4 stars). 2 submissions from 2 submitters: Uncertain significance (1); Likely benign (1). Last evaluated 2024-01-22.

Conditions:
Charcot-Marie-Tooth disease axonal type 2O. Also called: Charcot-Marie-Tooth disease, axonal, type 20; CHARCOT-MARIE-TOOTH NEUROPATHY, AXONAL, TYPE 2O; CHARCOT-MARIE-TOOTH DISEASE, AXONAL, AUTOSOMAL DOMINANT, TYPE 2O; Charcot-Marie-Tooth Neuropathy Type 2O. Identifiers: Orphanet 284232, MedGen C3280220, MONDO:0013644, OMIM 614228.

Allele frequency attached by ClinVar (database versions not stated): ExAC 0.00001; gnomAD 0.00001; TOPMed 0.00001.
gnomAD v4.1: 9 of 1,613,228 alleles (0.00056%); highest among the groups gnomAD compares: African/African-American, 0.0027%; no homozygotes.

Submissions (2):

Labcorp Genetics (formerly Invitae), Labcorp
Classification: Likely benign for Charcot-Marie-Tooth disease axonal type 2O. Last evaluated: 2024-01-22. Review status: criteria provided, single submitter. Criteria: Invitae Variant Classification Sherloc (09022015). Collection method: clinical testing. Allele origin: germline.

CeGaT Center for Human Genetics Tuebingen
Classification: Uncertain significance. Last evaluated: 2023-10-01. Review status: criteria provided, single submitter. Criteria: CeGaT Center For Human Genetics Tuebingen Variant Classification Criteria Version 2. Collection method: clinical testing. Allele origin: germline. Affected: yes. Observed: 1 variant allele.
Comment: DYNC1H1: PP2

NM_001376.5(DYNC1H1):c.2377G>A (p.Glu793Lys)

Gene: DYNC1H1 (dynein cytoplasmic 1 heavy chain 1; plus strand). Cytogenetic location: 14q32.31.
Variant type: single nucleotide variant.
Coding change: c.2377G>A on transcript NM_001376.5 (MANE Select); coding-DNA position 2377, G replaced by A.
Protein change: p.Glu793Lys; replaces glutamic acid 793 with lysine.
Molecular consequence: missense variant.
Genome position (GRCh38, 1-based): chr14:101,986,602, G>A. VCF-style: chr14-101986602-G-A. GRCh37 (hg19) VCF-style: chr14-102452939-G-A.
Other names: short protein forms E793K.
Identifiers: ClinVar variation 2146421 (VCV002146421.28), dbSNP rs777505460, ClinGen allele CA7351808.
Genomic context (GRCh38, chr14:101,986,602, plus strand): 5'-CAGCTTTACCCGTTTGCCATCTCACTGATCGAGAGCGTTCGTACCTATGAACGGACCTGC[G>A]AGAAGGTGGAGGAGCGGAACACCATTTCCCTTTTGGTGGCTGGCTTGAAAAAGGAAGTGC-3'
Protein context (NP_001367.2, residues 783-803): ESVRTYERTC[Glu793Lys]KVEERNTISL